The following is an entry in ClinVar:

NM_019892.6(INPP5E):c.683T>G (p.Val228Gly)

Gene: INPP5E (inositol polyphosphate-5-phosphatase E; minus strand). Cytogenetic location: 9q34.3.
Variant type: single nucleotide variant.
Coding change: c.683T>G on transcript NM_019892.6 (MANE Select); coding-DNA position 683, T replaced by G.
Protein change: p.Val228Gly; replaces valine 228 with glycine.
Molecular consequence: missense variant.
Genome position (GRCh38, 1-based): chr9:136,438,737, A>C on the plus strand (T>G on the coding strand, the complement: INPP5E is on the minus strand). VCF-style: chr9-136438737-A-C. GRCh37 (hg19) VCF-style: chr9-139333189-A-C.
Other names: c.683T>G, p.Val228Gly (NM_001318502.2); short protein forms V228G.
Identifiers: ClinVar variation 2118171 (VCV002118171.4), dbSNP rs2538892291, ClinGen allele CA375567982.

ClinVar aggregate classification (germline): Uncertain significance (1 of 4 stars; one submission).

Conditions:
Joubert syndrome. Also called: CEREBELLOPARENCHYMAL DISORDER IV; JOUBERT-BOLTSHAUSER SYNDROME; Familial aplasia of the vermis. Identifiers: Orphanet 475, MedGen C5979921, MONDO:0018772.

Submission:

Labcorp Genetics (formerly Invitae), Labcorp
Classification: Uncertain significance for Joubert syndrome. Last evaluated: 2025-01-13. Review status: criteria provided, single submitter. Criteria: Invitae Variant Classification Sherloc (09022015). Collection method: clinical testing. Allele origin: germline.
Comment: This sequence change replaces valine, which is neutral and non-polar, with glycine, which is neutral and non-polar, at codon 228 of the INPP5E protein (p.Val228Gly). This variant is not present in population databases (gnomAD no frequency). This variant has not been reported in the literature in individuals affected with INPP5E-related conditions. ClinVar contains an entry for this variant (Variation ID: 2118171). Invitae Evidence Modeling of protein sequence and biophysical properties (such as structural, functional, and spatial information, amino acid conservation, physicochemical variation, residue mobility, and thermodynamic stability) indicates that this missense variant is not expected to disrupt INPP5E protein function with a negative predictive value of 95%. In summary, the available evidence is currently insufficient to determine the role of this variant in disease. Therefore, it has been classified as a Variant of Uncertain Significance.